The following is an entry in ClinVar:

NM_000038.6(APC):c.3916G>T (p.Glu1306Ter)

Gene: APC (APC regulator of Wnt signaling pathway; plus strand). Cytogenetic location: 5q22.2.
Variant type: single nucleotide variant.
Coding change: c.3916G>T on transcript NM_000038.6 (MANE Select); coding-DNA position 3916, G replaced by T.
Protein change: p.Glu1306Ter; replaces glutamic acid 1306 with a stop codon.
Molecular consequence: nonsense.
Genome position (GRCh38, 1-based): chr5:112,839,510, G>T. VCF-style: chr5-112839510-G-T. GRCh37 (hg19) VCF-style: chr5-112175207-G-T.
Other names: c.3916G>T, p.Glu1306Ter (NM_001127510.3, NM_001354895.2); c.3862G>T, p.Glu1288Ter (NM_001127511.3); c.3970G>T, p.Glu1324Ter (NM_001354896.2); c.3946G>T, p.Glu1316Ter (NM_001354897.2); c.3841G>T, p.Glu1281Ter (NM_001354898.2); c.3832G>T, p.Glu1278Ter (NM_001354899.2); c.3793G>T, p.Glu1265Ter (NM_001354900.2); c.3739G>T, p.Glu1247Ter (NM_001354901.2); and 5 more; short protein forms E1288*, E1306*, E1180*, E1247*, E1146*, E1265*, E1205*, E1281*.
Identifiers: ClinVar variation 376059 (VCV000376059.13), dbSNP rs121913462, ClinGen allele CA16029925.

ClinVar aggregate classification (germline): Pathogenic. Review status: criteria provided, multiple submitters, no conflicts (2 of 4 stars). 5 submissions from 5 submitters: Pathogenic (5). Last evaluated 2025-08-12.
ClinVar aggregate classification (oncogenicity): Oncogenic (1 of 4 stars; one submission).

Conditions:
Hereditary cancer-predisposing syndrome. Also called: Hereditary neoplastic syndrome; Hereditary Cancer Syndrome; Neoplastic Syndromes, Hereditary; Tumor predisposition. Identifiers: Orphanet 140162, MedGen C0027672, MeSH D009386, MONDO:0015356.
Familial adenomatous polyposis 1 (FAP1). Also called: FAMILIAL ADENOMATOUS POLYPOSIS 1, ATTENUATED; POLYPOSIS, ADENOMATOUS INTESTINAL. Identifiers: MedGen C2713442, MONDO:0021056, OMIM 175100. Disease mechanism: loss of function.
Neoplasm. Also called: Neoplasms; Neoplasm (disease); tumor. Identifiers: MedGen C0027651, MeSH D009369, MONDO:0005070, HP:0002664.

Submissions (6):

Center for Genomic Medicine, Rigshospitalet, Copenhagen University Hospital
Classification: Oncogenic for Neoplasm. Last evaluated: 2025-12-29. Review status: criteria provided, single submitter. Criteria: ClinGen/CGC/VICC Guidelines for Oncogenicity, 2022. Collection method: clinical testing. Allele origin: somatic. Affected: yes.

GeneDx
Classification: Pathogenic. Last evaluated: 2025-08-12. Review status: criteria provided, single submitter. Criteria: GeneDx Variant Classification Process June 2021. Collection method: clinical testing. Allele origin: germline. Affected: yes.
Comment: Nonsense variant predicted to result in protein truncation in a gene for which loss of function is a known mechanism of disease; Not observed at significant frequency in large population cohorts (gnomAD); This variant is associated with the following publications: (PMID: 18199528, 17963004)

Labcorp Genetics (formerly Invitae), Labcorp
Classification: Pathogenic for Familial adenomatous polyposis 1. Last evaluated: 2023-11-05. Review status: criteria provided, single submitter. Criteria: Invitae Variant Classification Sherloc (09022015). Collection method: clinical testing. Allele origin: germline.
Comment: This sequence change creates a premature translational stop signal (p.Glu1306*) in the APC gene. While this is not anticipated to result in nonsense mediated decay, it is expected to disrupt the last 1538 amino acid(s) of the APC protein. This variant is not present in population databases (gnomAD no frequency). This premature translational stop signal has been observed in individual(s) with familial adenomatous polyposis (PMID: 17963004). ClinVar contains an entry for this variant (Variation ID: 376059). This variant is expected to disrupt the EB1 and HDLG binding sites, which mediate interactions with the cytoskeleton (PMID: 15311282, 17293347). While functional studies have not been performed to directly test the effect on APC protein function, this suggests that disruption of the C-terminal portion of the protein is functionally important. A different truncation (p.Tyr2645Lysfs*14) that lies downstream of this variant has been determined to be pathogenic (PMID: 9824584, 1316610, 27081525, 8381579, 22135120, Invitae). This suggests that deletion of this region of the APC protein is causative of disease. For these reasons, this variant has been classified as Pathogenic.

Ambry Genetics
Classification: Pathogenic for Hereditary cancer-predisposing syndrome. Last evaluated: 2020-11-19. Review status: criteria provided, single submitter. Criteria: Ambry Variant Classification Scheme 2023. Collection method: clinical testing. Allele origin: germline.
Comment: The p.E1306* pathogenic mutation (also known as c.3916G>T), located in coding exon 15 of the APC gene, results from a G to T substitution at nucleotide position 3916. This changes the amino acid from a glutamic acid to a stop codon within coding exon 15. This variant was detected in 1/24 Chilean families with familial adenomatous polyposis (FAP) (De la Fuente MK et al. Dis Colon Rectum, 2007 Dec;50:2142-8). This alteration is expected to result in loss of function by premature protein truncation or nonsense-mediated mRNA decay. As such, this alteration is interpreted as a disease-causing mutation.

Color Diagnostics, LLC DBA Color Health
Classification: Pathogenic for Hereditary cancer-predisposing syndrome. Last evaluated: 2019-07-18. Review status: criteria provided, single submitter. Criteria: ACMG Guidelines, 2015. Collection method: clinical testing. Allele origin: germline.
Comment: This variant changes 1 nucleotide in exon 16 of the APC gene, creating a premature translation stop signal in the last coding exon. This mutant transcript is predicted to be expressed as a truncated protein. Although functional studies have not been performed, this variant is expected to disrupt many important functional domains including beta-catenin binding domain, basic domain, EB1 binding domain, and Human Disc Large (HDLG) binding domain (PMID: 17881494). Many truncating variants occurring downstream of this variant are known to be disease-causing in Clinvar. This variant has been reported in a Chilean family affected with familial adenomatous polyposis (PMID: 17963004). This variant has not been identified in the general population by the Genome Aggregation Database (gnomAD). Loss of APC function is a known mechanism of disease. Based on available evidence, this variant is classified as Pathogenic.

Quest Diagnostics Nichols Institute San Juan Capistrano
Classification: Pathogenic. Last evaluated: 2018-09-21. Review status: criteria provided, single submitter. Criteria: Quest Diagnostics criteria. Collection method: clinical testing. Allele origin: germline.
Comment: The variant creates a premature nonsense codon, and is therefore predicted to significantly disrupt the protein structure. Found in at least one symptomatic patient, and not found in general population data.

Literature cited by the submitters: PubMed 10213492 (cited by Center for Genomic Medicine, Rigshospitalet, Copenhagen University Hospital); PubMed 17189293 (cited by Center for Genomic Medicine, Rigshospitalet, Copenhagen University Hospital); PubMed 17963004 (cited by 3 submitters); PubMed 15311282 (cited by Labcorp Genetics (formerly Invitae), Labcorp); PubMed 17293347 (cited by Labcorp Genetics (formerly Invitae), Labcorp); PubMed 9824584 (cited by Labcorp Genetics (formerly Invitae), Labcorp); PubMed 1316610 (cited by Labcorp Genetics (formerly Invitae), Labcorp); PubMed 27081525 (cited by Labcorp Genetics (formerly Invitae), Labcorp); PubMed 8381579 (cited by Labcorp Genetics (formerly Invitae), Labcorp); PubMed 22135120 (cited by Labcorp Genetics (formerly Invitae), Labcorp); PubMed 30006736 (cited by Ambry Genetics); PubMed 8187091 (cited by Quest Diagnostics Nichols Institute San Juan Capistrano).